The following is an entry in ClinVar:

ClinVar aggregate classification (germline): Pathogenic (1 of 4 stars; one submission).

Allele frequency attached by ClinVar (database versions not stated): gnomAD exomes below 0.00001.
gnomAD v4.1: 1 of 1,614,018 alleles (0.000062%); highest among the groups gnomAD compares: Non-Finnish European, 0.000085%; no homozygotes.

Submission:

Labcorp Genetics (formerly Invitae), Labcorp
Classification: Pathogenic. Last evaluated: 2023-12-30. Review status: criteria provided, single submitter. Criteria: Invitae Variant Classification Sherloc (09022015). Collection method: clinical testing. Allele origin: germline.
Comment: This sequence change creates a premature translational stop signal (p.Gln713*) in the CC2D1A gene. It is expected to result in an absent or disrupted protein product. Loss-of-function variants in CC2D1A are known to be pathogenic (PMID: 16033914). This variant is not present in population databases (gnomAD no frequency). This variant has not been reported in the literature in individuals affected with CC2D1A-related conditions. For these reasons, this variant has been classified as Pathogenic.

Literature cited by the submitters: PubMed 16033914.

NM_017721.5(CC2D1A):c.2137C>T (p.Gln713Ter)

Gene: CC2D1A (coiled-coil and C2 domain containing 1A; plus strand). Cytogenetic location: 19p13.12.
Variant type: single nucleotide variant.
Coding change: c.2137C>T on transcript NM_017721.5 (MANE Select); coding-DNA position 2137, C replaced by T.
Protein change: p.Gln713Ter; replaces glutamine 713 with a stop codon.
Molecular consequence: nonsense.
Genome position (GRCh38, 1-based): chr19:13,926,989, C>T. VCF-style: chr19-13926989-C-T. GRCh37 (hg19) VCF-style: chr19-14037802-C-T.
Other names: c.2137C>T, p.Gln713Ter (NM_001411138.1); short protein forms Q713*.
Identifiers: ClinVar variation 2706440 (VCV002706440.3), dbSNP rs2513133401, ClinGen allele CA404395663.
Genomic context (GRCh38, chr19:13,926,989, plus strand): 5'-GACAATGGCCTGACCCCACCCAACTTCCTCTCCCTCCTTCCTCCTGCAGAGTTCAAGGAG[C>T]AGTTCAAACTCTGCATCAACCGCAGCCACCGTGGCTTCCGAAGGGCCATCCAGACCAAGG-3'